The following is an entry in ClinVar:

NM_014363.6(SACS):c.10017del (p.Asp3341fs)

Gene: SACS (sacsin molecular chaperone; minus strand). Cytogenetic location: 13q12.12.
Variant type: Deletion.
Coding change: c.10017del on transcript NM_014363.6 (MANE Select); coding-DNA position 10017, one base deleted (C; older notation c.10017delC).
Protein change: p.Asp3341fs; shifts the reading frame from aspartic acid 3341.
Molecular consequence: frameshift variant.
Genome position (GRCh38, 1-based): chr13:23,333,859, G deleted on the plus strand (C on the coding strand, the reverse complement: SACS is on the minus strand); the first of 2 consecutive G bases (chr13:23,333,859-23,333,860); deleting either gives the same sequence. VCF-style (leftmost placement, unchanged base first): chr13-23333858-TG-T. GRCh37 (hg19) VCF-style: chr13-23907997-TG-T.
Other names: c.9576del, p.Asp3194fs (NM_001278055.2); short protein forms D3194fs, D3341fs.
Identifiers: ClinVar variation 3639017 (VCV003639017.2).
Genomic context (GRCh38, chr13:23,333,858, plus strand): 5'-TTGTGGGGCTCTCTATATTTGCTGTGTGACATGACAACAAAGGAACAAATGCACTGTCTT[TG>T]GAACAGATTTTGTTCAAAGCAAGCTGAATACAGCCAGCTTTCATTAGAGCATGAAAAACT-3'

ClinVar aggregate classification (germline): Pathogenic (1 of 4 stars; one submission).

Conditions:
Spastic paraplegia. Identifiers: MedGen C0037772, HP:0001258.

Submission:

Labcorp Genetics (formerly Invitae), Labcorp
Classification: Pathogenic for Spastic paraplegia. Last evaluated: 2024-02-05. Review status: criteria provided, single submitter. Criteria: Invitae Variant Classification Sherloc (09022015). Collection method: clinical testing. Allele origin: germline.
Comment: This sequence change creates a premature translational stop signal (p.Asp3341Thrfs*15) in the SACS gene. While this is not anticipated to result in nonsense mediated decay, it is expected to disrupt the last 1239 amino acid(s) of the SACS protein. This variant is not present in population databases (gnomAD no frequency). This variant has not been reported in the literature in individuals affected with SACS-related conditions. This variant disrupts a region of the SACS protein in which other variant(s) (p.Tyr4538*) have been determined to be pathogenic (Invitae). This suggests that this is a clinically significant region of the protein, and that variants that disrupt it are likely to be disease-causing. For these reasons, this variant has been classified as Pathogenic.